The following is an entry in ClinVar:

ClinVar aggregate classification (germline): Uncertain significance (1 of 4 stars; one submission).

Submission:

Ambry Genetics
Classification: Uncertain significance. Last evaluated: 2021-10-14. Review status: criteria provided, single submitter. Criteria: Ambry Variant Classification Scheme 2023. Collection method: clinical testing. Allele origin: germline.
Comment: The p.S761R variant (also known as c.2283C>A), located in coding exon 21 of the PRKDC gene, results from a C to A substitution at nucleotide position 2283. The serine at codon 761 is replaced by arginine, an amino acid with dissimilar properties. This amino acid position is conserved. In addition, the in silico prediction for this alteration is inconclusive. Since supporting evidence is limited at this time, the clinical significance of this alteration remains unclear.

NM_006904.7(PRKDC):c.2283C>A (p.Ser761Arg)

Gene: PRKDC (protein kinase, DNA-activated, catalytic subunit; minus strand). Cytogenetic location: 8q11.21.
Variant type: single nucleotide variant.
Coding change: c.2283C>A on transcript NM_006904.7 (MANE Select); coding-DNA position 2283, C replaced by A.
Protein change: p.Ser761Arg; replaces serine 761 with arginine.
Molecular consequence: missense variant.
Genome position (GRCh38, 1-based): chr8:47,927,330, G>T on the plus strand (C>A on the coding strand, the complement: PRKDC is on the minus strand). VCF-style: chr8-47927330-G-T. GRCh37 (hg19) VCF-style: chr8-48839890-G-T.
Other names: c.2283C>A, p.Ser761Arg (NM_001081640.2); short protein forms S761R.
Identifiers: ClinVar variation 1788970 (VCV001788970.2), dbSNP rs2551878157, ClinGen allele CA371162109.